The following is an entry in ClinVar:

NM_007294.4(BRCA1):c.3304_3307del (p.Asn1102fs)

Genes: BRCA1 (BRCA1 DNA repair associated; minus strand), LOC126862571 (BRD4-independent group 4 enhancer GRCh37_chr17:41243136-41244335; plus strand). Cytogenetic location: 17q21.31.
Variant type: Deletion.
Coding change: c.3304_3307del on transcript NM_007294.4 (MANE Select); coding-DNA positions 3304 to 3307, 4 bases deleted (AATT; older notation c.3304_3307delAATT).
Protein change: p.Asn1102fs; shifts the reading frame from asparagine 1102.
Molecular consequence: frameshift variant. On other transcripts: intron variant (137).
Genome position (GRCh38, 1-based): chr17:43,092,224-43,092,227, AATT deleted on the plus strand (AATT on the coding strand, the reverse complement: BRCA1 is on the minus strand); deleting any 4 consecutive bases within chr17:43,092,224-43,092,228 gives the same sequence; the c. name uses the placement nearest the transcript's 3' end. VCF-style (leftmost placement, unchanged base first): chr17-43092223-CAATT-C. GRCh37 (hg19) VCF-style: chr17-41244240-CAATT-C.
Other names: c.3304_3307delAATT (NM_007294.3); c.3091_3094del, p.Asn1031fs (NM_001407571.1, NM_001407853.1, NM_001407894.1 and 9 more transcripts); c.3304_3307del, p.Asn1102fs (NM_001407581.1, NM_001407582.1, NM_001407583.1 and 30 more transcripts); c.3301_3304del, p.Asn1101fs (NM_001407587.1, NM_001407590.1, NM_001407591.1 and 22 more transcripts); c.3295_3298del, p.Asn1099fs (NM_001407646.1, NM_001407647.1); c.3181_3184del, p.Asn1061fs (NM_001407648.1, NM_001407664.1, NM_001407665.1 and 19 more transcripts); c.3178_3181del, p.Asn1060fs (NM_001407649.1, NM_001407670.1, NM_001407671.1 and 11 more transcripts); c.3226_3229del, p.Asn1076fs (NM_001407653.1, NM_001407654.1, NM_001407655.1 and 4 more transcripts); and 42 more; short protein forms N1055fs, N1102fs, N1032fs, N1075fs, N990fs, N991fs, N1013fs, N1014fs.
Identifiers: ClinVar variation 823517 (VCV000823517.5), dbSNP rs1597864491, ClinGen allele CA915950129.

ClinVar aggregate classification (germline): Pathogenic (1 of 4 stars; one submission).

Conditions:
Hereditary cancer-predisposing syndrome. Also called: Tumor predisposition; Hereditary Cancer Syndrome; Neoplastic Syndromes, Hereditary; Hereditary neoplastic syndrome. Identifiers: Orphanet 140162, MedGen C0027672, MeSH D009386, MONDO:0015356.

Submission:

Ambry Genetics
Classification: Pathogenic for Hereditary cancer-predisposing syndrome. Last evaluated: 2018-05-25. Review status: criteria provided, single submitter. Criteria: Ambry Variant Classification Scheme 2023. Collection method: clinical testing. Allele origin: germline.
Comment: The c.3304_3307delAATT pathogenic mutation, located in coding exon 9 of the BRCA1 gene, results from a deletion of 4 nucleotides at nucleotide positions 3304 to 3307, causing a translational frameshift with a predicted alternate stop codon (p.N1102Vfs*6). This alteration is expected to result in loss of function by premature protein truncation or nonsense-mediated mRNA decay. As such, this alteration is interpreted as a disease-causing mutation.